The following is an entry in ClinVar:

ClinVar aggregate classification (germline): Conflicting classifications of pathogenicity. Review status: criteria provided, conflicting classifications (1 of 4 stars). 3 submissions from 3 submitters: Uncertain significance (2); Likely benign (1). Last evaluated 2025-10-17.

Conditions:
Hereditary cancer-predisposing syndrome. Also called: Neoplastic Syndromes, Hereditary; Tumor predisposition; Hereditary neoplastic syndrome; Hereditary Cancer Syndrome. Identifiers: Orphanet 140162, MedGen C0027672, MeSH D009386, MONDO:0015356.
Hereditary breast ovarian cancer syndrome. Also called: Hereditary breast and ovarian cancer syndrome; Hereditary breast and ovarian cancer; Hereditary breast and ovarian cancer syndrome (HBOC); Breast and ovarian cancer; Hereditary breast and/or ovarian cancer syndrome; BRCA1- and BRCA2-Associated Hereditary Breast and Ovarian Cancer. Identifiers: Orphanet 145, MedGen C0677776, MeSH D061325, MONDO:0003582. Disease mechanism: loss of function.

Allele frequency attached by ClinVar (database versions not stated): gnomAD exomes below 0.00001.
gnomAD v4.1: 1 of 1,613,820 alleles (0.000062%); highest among the groups gnomAD compares: South Asian, 0.0011%; no homozygotes.

Submissions (3):

Ambry Genetics
Classification: Uncertain significance for Hereditary cancer-predisposing syndrome. Last evaluated: 2025-10-17. Review status: criteria provided, single submitter. Criteria: Ambry Variant Classification Scheme 2023. Collection method: clinical testing. Allele origin: germline.
Comment: The p.I1791V variant (also known as c.5371A>G), located in coding exon 10 of the BRCA2 gene, results from an A to G substitution at nucleotide position 5371. The isoleucine at codon 1791 is replaced by valine, an amino acid with highly similar properties. This amino acid position is poorly conserved in available vertebrate species. In addition, this alteration is predicted to be tolerated by in silico analysis. Since supporting evidence is limited at this time, the clinical significance of this alteration remains unclear.

Labcorp Genetics (formerly Invitae), Labcorp
Classification: Uncertain significance for Hereditary breast ovarian cancer syndrome. Last evaluated: 2025-04-20. Review status: criteria provided, single submitter. Criteria: Invitae Variant Classification Sherloc (09022015). Collection method: clinical testing. Allele origin: germline.
Comment: This sequence change replaces isoleucine, which is neutral and non-polar, with valine, which is neutral and non-polar, at codon 1791 of the BRCA2 protein (p.Ile1791Val). This variant is present in population databases (no rsID available, gnomAD 0.003%). This variant has not been reported in the literature in individuals affected with BRCA2-related conditions. ClinVar contains an entry for this variant (Variation ID: 825681). Invitae Evidence Modeling of protein sequence and biophysical properties (such as structural, functional, and spatial information, amino acid conservation, physicochemical variation, residue mobility, and thermodynamic stability) indicates that this missense variant is not expected to disrupt BRCA2 protein function with a negative predictive value of 95%. In summary, the available evidence is currently insufficient to determine the role of this variant in disease. Therefore, it has been classified as a Variant of Uncertain Significance.

University of Washington Department of Laboratory Medicine, University of Washington
Classification: Likely benign for Hereditary cancer-predisposing syndrome. Last evaluated: 2023-03-23. Review status: criteria provided, single submitter. Criteria: Dines et al. (Genet Med. 2020). Collection method: curation. Allele origin: germline.
Comment: Missense variant in a coldspot region where missense variants are very unlikely to be pathogenic (PMID:31911673).

BRCA2 exon 11 coldspot. Reclassification based on statistical prior probability.

NM_000059.4(BRCA2):c.5371A>G (p.Ile1791Val)

Gene: BRCA2 (BRCA2 DNA repair associated; plus strand). Cytogenetic location: 13q13.1.
Variant type: single nucleotide variant.
Coding change: c.5371A>G on transcript NM_000059.4 (MANE Select); coding-DNA position 5371, A replaced by G.
Protein change: p.Ile1791Val; replaces isoleucine 1791 with valine.
Molecular consequence: missense variant.
Genome position (GRCh38, 1-based): chr13:32,339,726, A>G. VCF-style: chr13-32339726-A-G. GRCh37 (hg19) VCF-style: chr13-32913863-A-G.
Other names: short protein forms I1791V.
Identifiers: ClinVar variation 825681 (VCV000825681.10), dbSNP rs1214903860, ClinGen allele CA387785145.